The following is an entry in ClinVar:

ClinVar aggregate classification (germline): Pathogenic (1 of 4 stars; one submission).

Conditions:
Primary ciliary dyskinesia 30. Also called: CILIARY DYSKINESIA, PRIMARY, 30, WITH OR WITHOUT SITUS INVERSUS. Identifiers: Orphanet 244, MedGen C4015016, MONDO:0014465, OMIM 616037.

Submission:

Labcorp Genetics (formerly Invitae), Labcorp
Classification: Pathogenic for Primary ciliary dyskinesia 30. Last evaluated: 2025-04-28. Review status: criteria provided, single submitter. Criteria: Invitae Variant Classification Sherloc (09022015). Collection method: clinical testing. Allele origin: germline.
Comment: This sequence change creates a premature translational stop signal (p.Tyr236*) in the CCDC151 gene. It is expected to result in an absent or disrupted protein product. Loss-of-function variants in CCDC151 are known to be pathogenic (PMID: 25192045). This variant is not present in population databases (gnomAD no frequency). This variant has not been reported in the literature in individuals affected with CCDC151-related conditions. ClinVar contains an entry for this variant (Variation ID: 2695507). For these reasons, this variant has been classified as Pathogenic.

Literature cited by the submitters: PubMed 25192045.

NM_145045.5(ODAD3):c.708T>G (p.Tyr236Ter)

Gene: ODAD3 (outer dynein arm docking complex subunit 3; minus strand). Cytogenetic location: 19p13.2.
Variant type: single nucleotide variant.
Coding change: c.708T>G on transcript NM_145045.5 (MANE Select); coding-DNA position 708, T replaced by G.
Protein change: p.Tyr236Ter; replaces tyrosine 236 with a stop codon.
Molecular consequence: nonsense. On other transcripts: intron variant (1).
Genome position (GRCh38, 1-based): chr19:11,426,689, A>C on the plus strand (T>G on the coding strand, the complement: ODAD3 is on the minus strand). VCF-style: chr19-11426689-A-C. GRCh37 (hg19) VCF-style: chr19-11537509-A-C.
Other names: c.546T>G, p.Tyr182Ter (NM_001302453.1); c.535-118T>G (NM_001302454.2); short protein forms Y182*, Y236*.
Identifiers: ClinVar variation 2695507 (VCV002695507.3), dbSNP rs2512482280, ClinGen allele CA404124093.